The following is an entry in ClinVar:

ClinVar aggregate classification (germline): Likely pathogenic (1 of 4 stars; one submission).

Conditions:
Nizon-Isidor syndrome. Identifiers: MedGen C5394350, MONDO:0030030, OMIM 618872.

gnomAD v4.1: 1 of 1,614,038 alleles (0.000062%); highest among the groups gnomAD compares: Non-Finnish European, 0.000085%; no homozygotes.

Submission:

Laboratorio de Genetica e Diagnostico Molecular, Hospital Israelita Albert Einstein
Classification: Likely pathogenic for Nizon-Isidor syndrome. Last evaluated: 2024-07-10. Review status: criteria provided, single submitter. Criteria: ACMG Guidelines, 2015. Collection method: clinical testing. Allele origin: germline. Affected: yes.
Comment: ACMG classification criteria: PVS1 very strong, PM2 supporting

NM_001393769.1(MED12L):c.3493C>T (p.Arg1165Ter)

Genes: MED12L (mediator complex subunit 12L; plus strand), P2RY12 (purinergic receptor P2Y12; minus strand). Cytogenetic location: 3q25.1.
Variant type: single nucleotide variant.
Coding change: c.3493C>T on transcript NM_001393769.1 (MANE Select); coding-DNA position 3493, C replaced by T.
Protein change: p.Arg1165Ter; replaces arginine 1165 with a stop codon.
Molecular consequence: nonsense. On other transcripts: intron variant (1).
Genome position (GRCh38, 1-based): chr3:151,368,194, C>T. VCF-style: chr3-151368194-C-T. GRCh37 (hg19) VCF-style: chr3-151085982-C-T.
Other names: c.3388C>T, p.Arg1130Ter (NM_053002.6); c.-180+16498G>A (NM_022788.5); short protein forms R1130*, R1165*.
Identifiers: ClinVar variation 4056608 (VCV004056608.1).